The following is an entry in ClinVar:

NM_004415.4(DSP):c.3005G>A (p.Arg1002Gln)

Gene: DSP (desmoplakin; plus strand). Cytogenetic location: 6p24.3.
Variant type: single nucleotide variant.
Coding change: c.3005G>A on transcript NM_004415.4 (MANE Select); coding-DNA position 3005, G replaced by A.
Protein change: p.Arg1002Gln; replaces arginine 1002 with glutamine.
Molecular consequence: missense variant.
Genome position (GRCh38, 1-based): chr6:7,578,483, G>A. VCF-style: chr6-7578483-G-A. GRCh37 (hg19) VCF-style: chr6-7578716-G-A.
Other names: c.3005G>A, p.Arg1002Gln (NM_001008844.3, NM_001319034.2); c.3005G>A (LRG_423t1); short protein forms R1002Q.
Identifiers: ClinVar variation 534303 (VCV000534303.17), dbSNP rs371234425, ClinGen allele CA036622.

ClinVar aggregate classification (germline): Conflicting classifications of pathogenicity. Review status: criteria provided, conflicting classifications (1 of 4 stars). 4 submissions from 4 submitters: Uncertain significance (3); Benign (1). Last evaluated 2025-08-10.

Conditions:
Cardiovascular phenotype. Identifiers: MedGen CN230736.
Arrhythmogenic cardiomyopathy with wooly hair and keratoderma. Also called: PALMOPLANTAR KERATODERMA WITH LEFT VENTRICULAR CARDIOMYOPATHY AND WOOLLY HAIR; Carvajal syndrome; Dilated cardiomyopathy with woolly hair and keratoderma; Arrhythmogenic cardiomyopathy with woolly hair and keratoderma. Identifiers: Orphanet 65282, MedGen C1854063, MONDO:0011581, OMIM 605676.
Arrhythmogenic right ventricular dysplasia 8 (ARVD8). Also called: Arrhythmogenic Right Ventricular Dysplasia/Cardiomyopathy 8; ARRHYTHMOGENIC RIGHT VENTRICULAR DYSPLASIA, FAMILIAL, 8; ARRHYTHMOGENIC RIGHT VENTRICULAR CARDIOMYOPATHY 8. Identifiers: MedGen C1843896, MONDO:0011831, OMIM 607450.
Cardiomyopathy (CMYO). Also called: Cardiomyopathies. Identifiers: Orphanet 167848, MedGen C0878544, MONDO:0004994, HP:0001638. Inheritance: Various modes of inheritance.

Allele frequency attached by ClinVar (database versions not stated): ESP Exome Variant Server 0.00008.
gnomAD v4.1: 35 of 1,613,076 alleles (0.0022%); highest among the groups gnomAD compares: African/African-American, 0.0067%; no homozygotes.

Submissions (4):

Labcorp Genetics (formerly Invitae), Labcorp
Classification: Benign for Arrhythmogenic cardiomyopathy with wooly hair and keratoderma; Arrhythmogenic right ventricular dysplasia 8. Last evaluated: 2025-08-10. Review status: criteria provided, single submitter. Criteria: Invitae Variant Classification Sherloc (09022015). Collection method: clinical testing. Allele origin: germline.

All of Us Research Program, National Institutes of Health
Classification: Uncertain significance for Arrhythmogenic cardiomyopathy with wooly hair and keratoderma. Last evaluated: 2024-05-14. Review status: criteria provided, single submitter. Criteria: ACMG Guidelines, 2015. Collection method: clinical testing. Allele origin: germline. Inheritance: Autosomal dominant inheritance. Observed: 3 variant alleles, 3 heterozygotes.
Comment: This missense variant replaces arginine with glutamine at codon 1002 of the DSP protein. Computational prediction suggests that this variant may not impact protein structure and function (internally defined REVEL score threshold <= 0.5, PMID: 27666373). To our knowledge, functional studies have not been reported for this variant. This variant has not been reported in individuals affected with cardiovascular disorders in the literature. This variant has been identified in 12/282626 chromosomes in the general population by the Genome Aggregation Database (gnomAD). The available evidence is insufficient to determine the role of this variant in disease conclusively. Therefore, this variant is classified as a Variant of Uncertain Significance.

This study involves interpretation of variants in research participants for the purpose of population health screening. Participant phenotype was not available at the time of variant classification. Additional details can be found in publication PMID: 35346344, PMCID: PMC8962531

Color Diagnostics, LLC DBA Color Health
Classification: Uncertain significance for Cardiomyopathy. Last evaluated: 2024-05-03. Review status: criteria provided, single submitter. Criteria: ACMG Guidelines, 2015. Collection method: clinical testing. Allele origin: germline.
Comment: This missense variant replaces arginine with glutamine at codon 1002 of the DSP protein. Computational prediction suggests that this variant may not impact protein structure and function (internally defined REVEL score threshold <= 0.5, PMID: 27666373). To our knowledge, functional studies have not been reported for this variant. This variant has not been reported in individuals affected with DSP-related disorders in the literature. This variant has been identified in 12/282626 chromosomes in the general population by the Genome Aggregation Database (gnomAD). The available evidence is insufficient to determine the role of this variant in disease conclusively. Therefore, this variant is classified as a Variant of Uncertain Significance.

Ambry Genetics
Classification: Uncertain significance for Cardiovascular phenotype. Last evaluated: 2023-03-01. Review status: criteria provided, single submitter. Criteria: Ambry Variant Classification Scheme 2023. Collection method: clinical testing. Allele origin: germline.
Comment: The p.R1002Q variant (also known as c.3005G>A), located in coding exon 22 of the DSP gene, results from a G to A substitution at nucleotide position 3005. The arginine at codon 1002 is replaced by glutamine, an amino acid with highly similar properties. This alteration was reported in an individual with dilated cardiomyopathy (DCM) who also had variants in other cardiac-related genes (Pugh TJ et al. Genet Med, 2014 Aug;16:601-8). This amino acid position is well conserved in available vertebrate species. In addition, this alteration is predicted to be tolerated by in silico analysis. Since supporting evidence is limited at this time, the clinical significance of this alteration remains unclear.

Literature cited by the submitters: PubMed 24503780 (cited by Ambry Genetics).